The following is an entry in ClinVar:

ClinVar aggregate classification (germline): Uncertain significance. Review status: criteria provided, multiple submitters, no conflicts (2 of 4 stars). 2 submissions from 2 submitters: Uncertain significance (2). Last evaluated 2025-08-08.

Allele frequency attached by ClinVar (database versions not stated): gnomAD exomes below 0.00001; TOPMed below 0.00001.
gnomAD v4.1: 1 of 1,608,276 alleles (0.000062%); highest among the groups gnomAD compares: Non-Finnish European, 0.000085%; no homozygotes.

Submissions (2):

Ambry Genetics
Classification: Uncertain significance. Last evaluated: 2025-08-08. Review status: criteria provided, single submitter. Criteria: Ambry Variant Classification Scheme 2023. Collection method: clinical testing. Allele origin: germline.

CeGaT Center for Human Genetics Tuebingen
Classification: Uncertain significance. Last evaluated: 2024-01-01. Review status: criteria provided, single submitter. Criteria: CeGaT Center For Human Genetics Tuebingen Variant Classification Criteria Version 2. Collection method: clinical testing. Allele origin: germline. Affected: yes. Observed: 1 variant allele.
Comment: NLRP6: PM2, BP4

NM_001276700.2(NLRP6):c.2516G>A (p.Gly839Glu)

Gene: NLRP6 (NLR family pyrin domain containing 6; plus strand). Cytogenetic location: 11p15.5.
Variant type: single nucleotide variant.
Coding change: c.2516G>A on transcript NM_001276700.2 (MANE Select); coding-DNA position 2516, G replaced by A.
Protein change: p.Gly839Glu; replaces glycine 839 with glutamic acid.
Molecular consequence: missense variant.
Genome position (GRCh38, 1-based): chr11:284,621, G>A. VCF-style: chr11-284621-G-A. GRCh37 (hg19) VCF-style: chr11-284621-G-A.
Other names: c.2519G>A, p.Gly840Glu (NM_138329.2); c.2519G>A (NM_138329.1); short protein forms G839E, G840E.
Identifiers: ClinVar variation 3026839 (VCV003026839.23), dbSNP rs1845531969, ClinGen allele CA378877860.
Genomic context (GRCh38, chr11:284,621, plus strand): 5'-GCGGCTGCCAACTGCCCGCCCCCATGGTGACCTACCTGTGTGCAGTCCTGCAGCACCAGG[G>A]ATGCGGCCTGCAGACCCTCAGGTGGAGGCAGGGGTGGGAAGGGTGCTGGGGACACAGCCT-3'
Protein context (NP_001263629.1, residues 829-849): TYLCAVLQHQ[Gly839Glu]CGLQTLSLAS